The following is an entry in ClinVar:

NM_004655.4(AXIN2):c.2238-4dup

Gene: AXIN2 (axin 2; minus strand). Cytogenetic location: 17q24.1.
Variant type: Duplication.
Coding change: c.2238-4dup on transcript NM_004655.4 (MANE Select); 4 bases into the intron before coding-DNA position 2238, one base duplicated (T; older notation c.2238-4dupT).
Molecular consequence: intron variant.
Genome position (GRCh38, 1-based): chr17:65,534,083, A duplicated on the plus strand (T on the coding strand, the reverse complement: AXIN2 is on the minus strand); the first of 4 consecutive A bases (chr17:65,534,083-65,534,086); duplicating any one gives the same sequence. VCF-style (leftmost placement, unchanged base first): chr17-65534082-G-GA. GRCh37 (hg19) VCF-style: chr17-63530200-G-GA.
Other names: c.2043-4dup (NM_001363813.1).
Identifiers: ClinVar variation 3379038 (VCV003379038.1).

ClinVar aggregate classification (germline): Likely benign (1 of 4 stars; one submission).

Conditions:
Oligodontia-cancer predisposition syndrome. Also called: TOOTH AGENESIS-COLORECTAL CANCER SYNDROME. Identifiers: Orphanet 300576, MedGen C1837750, MONDO:0012075, OMIM 608615. Disease mechanism: loss of function.

Submission:

Myriad Genetics, Inc.
Classification: Likely benign for Oligodontia-cancer predisposition syndrome. Last evaluated: 2024-07-10. Review status: criteria provided, single submitter. Criteria: Myriad Autosomal Dominant, Autosomal Recessive and X-Linked Classification Criteria (2023). Collection method: clinical testing. Allele origin: unknown.
Comment: This variant is considered likely benign. This variant is intronic and is not expected to impact mRNA splicing.